The following is an entry in ClinVar:

NM_001378778.1(MPDZ):c.4479G>C (p.Leu1493Phe)

Gene: MPDZ (multiple PDZ domain crumbs cell polarity complex component; minus strand). Cytogenetic location: 9p23.
Variant type: single nucleotide variant.
Coding change: c.4479G>C on transcript NM_001378778.1 (MANE Select); coding-DNA position 4479, G replaced by C.
Protein change: p.Leu1493Phe; replaces leucine 1493 with phenylalanine.
Molecular consequence: missense variant.
Genome position (GRCh38, 1-based): chr9:13,126,758, C>G on the plus strand (G>C on the coding strand, the complement: MPDZ is on the minus strand). VCF-style: chr9-13126758-C-G. GRCh37 (hg19) VCF-style: chr9-13126757-C-G.
Other names: c.4380G>C, p.Leu1460Phe (NM_001261406.2, NM_001261407.2, NM_001375416.1 and 3 more transcripts); c.4479G>C, p.Leu1493Phe (NM_001330637.2, NM_003829.5); c.4578G>C, p.Leu1526Phe (NM_001375413.1); c.4269G>C, p.Leu1423Phe (NM_001375420.1, NM_001375421.1, NM_001375422.1 and 4 more transcripts); c.4071G>C, p.Leu1357Phe (NM_001375427.1); short protein forms L1357F, L1460F, L1526F, L1423F, L1493F.
Identifiers: ClinVar variation 1516637 (VCV001516637.4), dbSNP rs754898618, ClinGen allele CA4986681.

ClinVar aggregate classification (germline): Uncertain significance (1 of 4 stars; one submission).

Allele frequency attached by ClinVar (database versions not stated): ExAC 0.00001; gnomAD 0.00001; gnomAD exomes 0.00001 and 0.00002; TOPMed 0.00003.
gnomAD v4.1: 14 of 1,613,676 alleles (0.00087%); highest among the groups gnomAD compares: Admixed American, 0.0017%; no homozygotes.

Submission:

Labcorp Genetics (formerly Invitae), Labcorp
Classification: Uncertain significance. Last evaluated: 2023-07-17. Review status: criteria provided, single submitter. Criteria: Invitae Variant Classification Sherloc (09022015). Collection method: clinical testing. Allele origin: germline.
Comment: In summary, the available evidence is currently insufficient to determine the role of this variant in disease. Therefore, it has been classified as a Variant of Uncertain Significance. This sequence change replaces leucine, which is neutral and non-polar, with phenylalanine, which is neutral and non-polar, at codon 1493 of the MPDZ protein (p.Leu1493Phe). This variant is present in population databases (rs754898618, gnomAD 0.002%). This variant has not been reported in the literature in individuals affected with MPDZ-related conditions. ClinVar contains an entry for this variant (Variation ID: 1516637). An algorithm developed to predict the effect of missense changes on protein structure and function (PolyPhen-2) suggests that this variant¬†is likely to be tolerated.